The following is an entry in ClinVar:

NM_001022.4(RPS19):c.31C>T (p.Gln11Ter)

Genes: RPS19-CD79A (RPS19-CD79A readthrough; plus strand), RPS19 (ribosomal protein S19; plus strand). Cytogenetic location: 19q13.2.
Variant type: single nucleotide variant.
Coding change: c.31C>T on transcript NM_001022.4 (MANE Select); coding-DNA position 31, C replaced by T.
Protein change: p.Gln11Ter; replaces glutamine 11 with a stop codon.
Molecular consequence: nonsense.
Genome position (GRCh38, 1-based): chr19:41,860,805, C>T. VCF-style: chr19-41860805-C-T. GRCh37 (hg19) VCF-style: chr19-42364875-C-T.
Other names: c.31C>T, p.Gln11Ter (NM_001321483.2, NM_001321484.2, NM_001321485.2); short protein forms Q11*.
Identifiers: ClinVar variation 3348205 (VCV003348205.3).
Genomic context (GRCh38, chr19:41,860,805, plus strand): 5'-TGTGTTCACATGCTTGACTTTCTCCCTCAGATGCCTGGAGTTACTGTAAAAGACGTGAAC[C>T]AGCAGGAGTTCGTCAGAGCTCTGGCAGCCTTCCTCAAAAAGTGAGTTTGGGGACTGAGGT-3'

ClinVar aggregate classification (germline): Pathogenic. Review status: criteria provided, single submitter (1 of 4 stars). 2 submissions from 2 submitters: Pathogenic (1). 1 of the submissions does not count toward it. Last evaluated 2024-03-11.

Conditions:
Diamond-Blackfan anemia. Also called: Blackfan Diamond syndrome; Aregenerative anemia chronic congenital; Red cell aplasia, pure hereditary; Congenital hypoplastic anemia; Aase syndrome. Identifiers: Orphanet 124, MedGen C1260899, MeSH D029503, MONDO:0015253, HP:0004810.
RPS19-related disorder. Also called: RPS19-related condition.

Submissions (2):

Labcorp Genetics (formerly Invitae), Labcorp
Classification: Pathogenic for Diamond-Blackfan anemia. Last evaluated: 2024-03-11. Review status: criteria provided, single submitter. Criteria: Invitae Variant Classification Sherloc (09022015). Collection method: clinical testing. Allele origin: germline.
Comment: This sequence change creates a premature translational stop signal (p.Gln11*) in the RPS19 gene. It is expected to result in an absent or disrupted protein product. Loss-of-function variants in RPS19 are known to be pathogenic (PMID: 20960466). This variant is not present in population databases (gnomAD no frequency). This premature translational stop signal has been observed in individual(s) with Diamond-Blackfan anemia (PMID: 10590074, 28102861). For these reasons, this variant has been classified as Pathogenic.

PreventionGenetics, part of Exact Sciences
Classification: Likely pathogenic for RPS19-related condition. Last evaluated: 2024-08-12. Review status: no assertion criteria provided. Collection method: clinical testing. Allele origin: germline. Not counted in ClinVar's aggregate classification.
Comment: The RPS19 c.31C>T variant is predicted to result in premature protein termination (p.Gln11*). This variant was reported in at least two individuals with Diamond-Blackfan anemia (Table 1, Willig et al. 1999. PubMed ID: 10590074; Table S1, Muramatsu et al. 2017. PubMed ID: 28102861). This variant has not been reported in a large population database, indicating this variant is rare. Nonsense variants in RPS19 are expected to be pathogenic. This variant is interpreted as likely pathogenic.

Literature cited by the submitters: PubMed 20960466 (cited by Labcorp Genetics (formerly Invitae), Labcorp); PubMed 10590074 (cited by Labcorp Genetics (formerly Invitae), Labcorp); PubMed 28102861 (cited by Labcorp Genetics (formerly Invitae), Labcorp).